The following is an entry in ClinVar:

ClinVar aggregate classification (germline): Uncertain significance. Review status: criteria provided, multiple submitters, no conflicts (2 of 4 stars). 2 submissions from 2 submitters: Uncertain significance (2). Last evaluated 2025-12-06.

Conditions:
ABCC2-related disorder. Also called: ABCC2-related condition.
Inborn genetic diseases. Identifiers: MedGen C0950123, MeSH D030342.

Allele frequency attached by ClinVar (database versions not stated): ExAC 0.00002; gnomAD exomes 0.00002; gnomAD 0.00009; 1000 Genomes Project 30x 0.00016; 1000 Genomes Project 0.00020; TOPMed 0.00026.
gnomAD v4.1: 27 of 1,614,120 alleles (0.0017%); highest among the groups gnomAD compares: Admixed American, 0.04%; 1 homozygote.

Submissions (2):

PreventionGenetics, part of Exact Sciences
Classification: Uncertain significance for ABCC2-related condition. Last evaluated: 2025-12-06. Review status: criteria provided, single submitter. Criteria: ACMG Guidelines, 2015. Collection method: clinical testing. Allele origin: germline.
Comment: The ABCC2 c.88A>T variant is predicted to result in the amino acid substitution p.Thr30Ser. To our knowledge, this variant has not been reported in the literature. This variant is reported in 0.0085% of alleles in individuals of Latino descent in gnomAD. At this time, the clinical significance of this variant is uncertain due to the absence of conclusive functional and genetic evidence.

Ambry Genetics
Classification: Uncertain significance for Inborn genetic diseases. Last evaluated: 2023-12-22. Review status: criteria provided, single submitter. Criteria: Ambry Variant Classification Scheme 2023. Collection method: clinical testing. Allele origin: germline.

NM_000392.5(ABCC2):c.88A>T (p.Thr30Ser)

Genes: ABCC2 (ATP binding cassette subfamily C member 2; plus strand), LOC108281165 (MED14-independent group 3 enhancer GRCh37_chr10:101544125-101545324; plus strand). Cytogenetic location: 10q24.2.
Variant type: single nucleotide variant.
Coding change: c.88A>T on transcript NM_000392.5 (MANE Select); coding-DNA position 88, A replaced by T.
Protein change: p.Thr30Ser; replaces threonine 30 with serine.
Molecular consequence: missense variant.
Genome position (GRCh38, 1-based): chr10:99,784,662, A>T. VCF-style: chr10-99784662-A-T. GRCh37 (hg19) VCF-style: chr10-101544419-A-T.
Other names: c.88A>T (NM_000392.4); short protein forms T30S.
Identifiers: ClinVar variation 3128077 (VCV003128077.2), dbSNP rs562413451, ClinGen allele CA5642777.
Genomic context (GRCh38, chr10:99,784,662, plus strand): 5'-CTCCAGAATTCCTCATTCCTGGACAGTCCGGAGGCAGACCTGCCACTTTGTTTTGAGCAA[A>T]CTGTTCTGGTGTGGATTCCCTTGGGCTACCTATGGCTCCTGGCCCCCTGGCAGCTTCTCC-3'
Protein context (NP_000383.2, residues 20-40): EADLPLCFEQ[Thr30Ser]VLVWIPLGYL